The following is an entry in ClinVar:

NM_003466.4(PAX8):c.1277-12dup

Gene: PAX8 (paired box 8; minus strand). Cytogenetic location: 2q14.1.
Variant type: Duplication.
Coding change: c.1277-12dup on transcript NM_003466.4 (MANE Select); 12 bases into the intron before coding-DNA position 1277, one base duplicated (T; older notation c.1277-12dupT).
Molecular consequence: intron variant.
Genome position (GRCh38, 1-based): chr2:113,218,621, A duplicated on the plus strand (T on the coding strand, the reverse complement: PAX8 is on the minus strand); the first of 9 consecutive A bases (chr2:113,218,621-113,218,629); duplicating any one gives the same sequence. VCF-style (leftmost placement, unchanged base first): chr2-113218620-T-TA. GRCh37 (hg19) VCF-style: chr2-113976197-T-TA.
Other names: c.*1-12dup (NM_013992.4, NM_013953.4, NM_013952.4); c.1277-12dupT (NM_003466.4).
Identifiers: ClinVar variation 4688612 (VCV004688612.1).

ClinVar aggregate classification (germline): Likely benign (1 of 4 stars; one submission).

Submission:

Women's Health and Genetics/Laboratory Corporation of America, LabCorp
Classification: Likely benign. Last evaluated: 2025-12-03. Review status: criteria provided, single submitter. Criteria: LabCorp Variant Classification Summary - May 2015. Collection method: clinical testing. Allele origin: germline.
Comment: Variant summary: PAX8 c.1277-12dupT alters a nucleotide located at a position not widely known to affect splicing. Consensus agreement among computation tools predict no significant impact on normal splicing. However, these predictions have yet to be confirmed by functional studies. The frequency data for this variant in gnomAD is considered unreliable, as metrics indicate poor data quality at this position. To our knowledge, no occurrence of c.1277-12dupT in individuals affected with PAX8-related conditions and no experimental evidence demonstrating its impact on protein function have been reported. No submitters have cited clinical-significance assessments for this variant to ClinVar. Based on the evidence outlined above, the variant was classified as likely benign.